The following is an entry in ClinVar:

ClinVar aggregate classification (germline): Likely benign (0 of 4 stars; one submission).

Conditions:
TGM3-related disorder. Also called: TGM3-related condition.

gnomAD v4.1: 177 of 1,614,032 alleles (0.011%); highest among the groups gnomAD compares: Non-Finnish European, 0.00076%; no homozygotes.

Submission:

PreventionGenetics, part of Exact Sciences
Classification: Likely benign for TGM3-related condition. Last evaluated: 2022-11-21. Review status: no assertion criteria provided. Collection method: clinical testing. Allele origin: germline.
Comment: This variant is classified as likely benign based on ACMG/AMP sequence variant interpretation guidelines (Richards et al. 2015 PMID: 25741868, with internal and published modifications).

NM_003245.4(TGM3):c.41C>G (p.Ala14Gly)

Gene: TGM3 (transglutaminase 3; plus strand). Cytogenetic location: 20p13.
Variant type: single nucleotide variant.
Coding change: c.41C>G on transcript NM_003245.4 (MANE Select); coding-DNA position 41, C replaced by G.
Protein change: p.Ala14Gly; replaces alanine 14 with glycine.
Molecular consequence: missense variant.
Genome position (GRCh38, 1-based): chr20:2,309,690, C>G. VCF-style: chr20-2309690-C-G. GRCh37 (hg19) VCF-style: chr20-2290336-C-G.
Other names: short protein forms A14G.
Identifiers: ClinVar variation 3030119 (VCV003030119.2), dbSNP rs749279971, ClinGen allele CA9730706.